The following is an entry in ClinVar:

ClinVar aggregate classification (germline): Benign/Likely benign. Review status: criteria provided, multiple submitters, no conflicts (2 of 4 stars). 5 submissions from 5 submitters: Benign (2); Likely benign (3). Last evaluated 2026-08-05.

Conditions:
Hereditary pheochromocytoma and paraganglioma. Also called: Hereditary pheochromocytoma-paraganglioma; Hereditary paragangliomas and pheochromocytomas; Hereditary Paraganglioma-Pheochromocytoma Syndromes. Identifiers: Orphanet 29072, MedGen C4274332, MONDO:0017366.
Hereditary cancer-predisposing syndrome. Also called: Hereditary neoplastic syndrome; Neoplastic Syndromes, Hereditary; Tumor predisposition; Hereditary Cancer Syndrome. Identifiers: Orphanet 140162, MedGen C0027672, MeSH D009386, MONDO:0015356.
Pheochromocytoma/paraganglioma syndrome 2. Also called: SDHAF2-Related Hereditary Paraganglioma-Pheochromocytoma Syndrome (Paragangliomas 2); SDHAF2-Related Hereditary Paraganglioma-Pheochromocytoma Syndrome; GLOMUS TUMORS, FAMILIAL, 2; Paragangliomas 2. Identifiers: Orphanet 29072, MedGen C1866552, MONDO:0011121, OMIM 601650.

Allele frequency attached by ClinVar (database versions not stated): TOPMed 0.00003; ESP Exome Variant Server 0.00008; 1000 Genomes Project 30x 0.00031; gnomAD 0.00050 and 0.00049; ExAC 0.00031; 1000 Genomes Project 0.00040; gnomAD exomes 0.00032.
gnomAD v4.1: 264 of 1,614,062 alleles (0.016%); highest among the groups gnomAD compares: Middle Eastern, 0.049%; 2 homozygotes.

Submissions (5):

Myriad Genetics, Inc.
Classification: Benign for Pheochromocytoma/paraganglioma syndrome 2. Last evaluated: 2026-08-05. Review status: criteria provided, single submitter. Criteria: Myriad Autosomal Dominant, Autosomal Recessive and X-Linked Classification Criteria (2023). Collection method: clinical testing. Allele origin: unknown.
Comment: This variant is considered benign. This variant is a silent/synonymous amino acid change and it is not expected to impact splicing.

Labcorp Genetics (formerly Invitae), Labcorp
Classification: Benign for Hereditary pheochromocytoma and paraganglioma. Last evaluated: 2025-10-31. Review status: criteria provided, single submitter. Criteria: Invitae Variant Classification Sherloc (09022015). Collection method: clinical testing. Allele origin: germline.

Blueprint Genetics
Classification: Likely benign. Last evaluated: 2024-06-19. Review status: criteria provided, single submitter. Criteria: ACMG Guidelines, 2015. Collection method: clinical testing. Allele origin: germline.

Color Diagnostics, LLC DBA Color Health
Classification: Likely benign for Hereditary pheochromocytoma and paraganglioma. Last evaluated: 2022-11-06. Review status: criteria provided, single submitter. Criteria: ACMG Guidelines, 2015. Collection method: clinical testing. Allele origin: germline.

Ambry Genetics
Classification: Likely benign for Hereditary cancer-predisposing syndrome. Last evaluated: 2019-10-23. Review status: criteria provided, single submitter. Criteria: Ambry Variant Classification Scheme 2023. Collection method: clinical testing. Allele origin: germline.

NM_017841.4(SDHAF2):c.309C>T (p.Asn103=)

Gene: SDHAF2 (succinate dehydrogenase complex assembly factor 2; plus strand). Cytogenetic location: 11q12.2.
Variant type: single nucleotide variant.
Coding change: c.309C>T on transcript NM_017841.4 (MANE Select); coding-DNA position 309, C replaced by T.
Protein change: p.Asn103=; no amino-acid change (asparagine 103 retained).
Molecular consequence: synonymous variant.
Genome position (GRCh38, 1-based): chr11:61,438,052, C>T. VCF-style: chr11-61438052-C-T. GRCh37 (hg19) VCF-style: chr11-61205524-C-T.
Identifiers: ClinVar variation 706342 (VCV000706342.17), dbSNP rs184314049, ClinGen allele CA058414.